The following is an entry in ClinVar:

NM_007294.4(BRCA1):c.768G>T (p.Arg256Ser)

Gene: BRCA1 (BRCA1 DNA repair associated; minus strand). Cytogenetic location: 17q21.31.
Variant type: single nucleotide variant.
Coding change: c.768G>T on transcript NM_007294.4 (MANE Select); coding-DNA position 768, G replaced by T.
Protein change: p.Arg256Ser; replaces arginine 256 with serine.
Molecular consequence: missense variant. On other transcripts: non-coding transcript variant (1).
Genome position (GRCh38, 1-based): chr17:43,094,763, C>A on the plus strand (G>T on the coding strand, the complement: BRCA1 is on the minus strand). VCF-style: chr17-43094763-C-A. GRCh37 (hg19) VCF-style: chr17-41246780-C-A.
Other names: c.687G>T, p.Arg229Ser (NM_001407662.1, NM_001408413.1, NM_001408416.1 and 3 more transcripts); c.690G>T, p.Arg230Ser (NM_001408412.1, NM_001407663.1, NM_001408415.1 and 9 more transcripts); c.645G>T, p.Arg215Ser (NM_001407666.1, NM_001407667.1, NM_001408426.1 and 34 more transcripts); c.558G>T, p.Arg186Ser (NM_001407906.1, NM_001407907.1, NM_001407908.1 and 25 more transcripts); c.555G>T, p.Arg185Ser (NM_001407915.1, NM_001407916.1, NM_001407917.1 and 12 more transcripts); c.504G>T, p.Arg168Ser (NM_001407920.1, NM_001407921.1, NM_001407922.1 and 15 more transcripts); c.501G>T, p.Arg167Ser (NM_001407930.1, NM_001407931.1, NM_001407932.1 and 5 more transcripts); c.642G>T, p.Arg214Ser (NM_001407940.1, NM_001407941.1, NM_001407649.1 and 20 more transcripts); and 14 more; short protein forms R128S, R129S, R144S, R167S, R209S, R253S, R256S, R88S.
Identifiers: ClinVar variation 1760148 (VCV001760148.5), dbSNP rs746067447, ClinGen allele CA10600547.
Genomic context (GRCh38, chr17:43,094,763, plus strand): 5'-TGTGCCACATGGCTCCACATGCAAGTTTGAAACAGAACTACCCTGATACTTTTCTGGATG[C>A]CTCTCAGCTGCACGCTTCTCAGTGGTGTTCAAATCATTATTACTGGGTTGATGATGTTCA-3'
Protein context (NP_009225.1, residues 246-266): LNTTEKRAAE[Arg256Ser]HPEKYQGSSV

ClinVar aggregate classification (germline): Conflicting classifications of pathogenicity. Review status: criteria provided, conflicting classifications (1 of 4 stars). 3 submissions from 3 submitters: Uncertain significance (2); Likely benign (1). Last evaluated 2025-07-02.

Conditions:
Hereditary cancer-predisposing syndrome. Also called: Neoplastic Syndromes, Hereditary; Tumor predisposition; Hereditary Cancer Syndrome; Hereditary neoplastic syndrome. Identifiers: Orphanet 140162, MedGen C0027672, MeSH D009386, MONDO:0015356.

gnomAD v4.1: 2 of 1,611,112 alleles (0.00012%); highest among the groups gnomAD compares: East Asian, 0.0045%; no homozygotes.

Submissions (3):

Color Diagnostics, LLC DBA Color Health
Classification: Uncertain significance for Hereditary cancer-predisposing syndrome. Last evaluated: 2025-07-02. Review status: criteria provided, single submitter. Criteria: ACMG Guidelines, 2015. Collection method: clinical testing. Allele origin: germline.
Comment: This missense variant replaces arginine with serine at codon 256 of the BRCA1 protein. Computational prediction suggests that this variant may not impact protein structure and function. To our knowledge, functional studies have not been reported for this variant. This variant has not been reported in individuals affected with BRCA1-related disorders in the literature. This variant has been identified in 1/249322 chromosomes in the general population by the Genome Aggregation Database (gnomAD). The available evidence is insufficient to determine the role of this variant in disease conclusively. Therefore, this variant is classified as a Variant of Uncertain Significance.

University of Washington Department of Laboratory Medicine, University of Washington
Classification: Likely benign for Hereditary cancer-predisposing syndrome. Last evaluated: 2023-03-23. Review status: criteria provided, single submitter. Criteria: Dines et al. (Genet Med. 2020). Collection method: curation. Allele origin: germline.
Comment: Missense variant in a coldspot region where missense variants are very unlikely to be pathogenic (PMID:31911673).

BRCA1 coldspot (exon 11 using historical exon numbering). Reclassification based on statistical prior probability

Ambry Genetics
Classification: Uncertain significance for Hereditary cancer-predisposing syndrome. Last evaluated: 2022-06-29. Review status: criteria provided, single submitter. Criteria: Ambry Variant Classification Scheme 2023. Collection method: clinical testing. Allele origin: germline.
Comment: The p.R256S variant (also known as c.768G>T), located in coding exon 9 of the BRCA1 gene, results from a G to T substitution at nucleotide position 768. The arginine at codon 256 is replaced by serine, an amino acid with dissimilar properties. This amino acid position is not well conserved in available vertebrate species. In addition, this alteration is predicted to be deleterious by in silico analysis. Since supporting evidence is limited at this time, the clinical significance of this alteration remains unclear.